The following is an entry in ClinVar:

ClinVar aggregate classification (germline): Uncertain significance (1 of 4 stars; one submission).

Submission:

GeneDx
Classification: Uncertain significance. Last evaluated: 2023-11-09. Review status: criteria provided, single submitter. Criteria: GeneDx Variant Classification Process June 2021. Collection method: clinical testing. Allele origin: germline. Affected: yes.
Comment: Not observed at significant frequency in large population cohorts (gnomAD); In silico analysis supports that this missense variant does not alter protein structure/function; Has not been previously published as pathogenic or benign to our knowledge

NM_000217.3(KCNA1):c.1478C>G (p.Thr493Ser)

Gene: KCNA1 (potassium voltage-gated channel subfamily A member 1; plus strand). Cytogenetic location: 12p13.32.
Variant type: single nucleotide variant.
Coding change: c.1478C>G on transcript NM_000217.3 (MANE Select); coding-DNA position 1478, C replaced by G.
Protein change: p.Thr493Ser; replaces threonine 493 with serine.
Molecular consequence: missense variant.
Genome position (GRCh38, 1-based): chr12:4,912,856, C>G. VCF-style: chr12-4912856-C-G. GRCh37 (hg19) VCF-style: chr12-5022022-C-G.
Other names: short protein forms T493S.
Identifiers: ClinVar variation 3363998 (VCV003363998.1).